The following is an entry in ClinVar:

NM_144687.4(NLRP12):c.192C>T (p.Phe64=)

Gene: NLRP12 (NLR family pyrin domain containing 12; minus strand). Cytogenetic location: 19q13.42.
Variant type: single nucleotide variant.
Coding change: c.192C>T on transcript NM_144687.4 (MANE Select); coding-DNA position 192, C replaced by T.
Protein change: p.Phe64=; no amino-acid change (phenylalanine 64 retained).
Molecular consequence: synonymous variant.
Genome position (GRCh38, 1-based): chr19:53,823,983, G>A on the plus strand (C>T on the coding strand, the complement: NLRP12 is on the minus strand). VCF-style: chr19-53823983-G-A. GRCh37 (hg19) VCF-style: chr19-54327237-G-A.
Other names: c.192C>T, p.Phe64= (NM_001277126.2, NM_001277129.1).
Identifiers: ClinVar variation 739987 (VCV000739987.23), dbSNP rs145729590, ClinGen allele CA9639817.

ClinVar aggregate classification (germline): Likely benign. Review status: criteria provided, multiple submitters, no conflicts (2 of 4 stars). 2 submissions from 2 submitters: Likely benign (2). Last evaluated 2026-01-23.

Conditions:
Familial cold autoinflammatory syndrome 2 (FCAS2). Identifiers: Orphanet 247868, MedGen C2673198, MONDO:0012724, OMIM 611762.

Allele frequency attached by ClinVar (database versions not stated): ExAC 0.00004; gnomAD exomes 0.00004 and 0.00006; ESP Exome Variant Server 0.00008; TOPMed 0.00009.
gnomAD v4.1: 106 of 1,614,024 alleles (0.0066%); highest among the groups gnomAD compares: African/African-American, 0.012%; no homozygotes.

Submissions (2):

Labcorp Genetics (formerly Invitae), Labcorp
Classification: Likely benign for Familial cold autoinflammatory syndrome 2. Last evaluated: 2026-01-23. Review status: criteria provided, single submitter. Criteria: Invitae Variant Classification Sherloc (09022015). Collection method: clinical testing. Allele origin: germline.

CeGaT Center for Human Genetics Tuebingen
Classification: Likely benign. Last evaluated: 2025-02-01. Review status: criteria provided, single submitter. Criteria: CeGaT Center For Human Genetics Tuebingen Variant Classification Criteria Version 2. Collection method: clinical testing. Allele origin: germline. Affected: yes. Observed: 1 variant allele.
Comment: NLRP12: BP4, BP7